The following is an entry in ClinVar:

ClinVar aggregate classification (germline): Uncertain significance. Review status: criteria provided, multiple submitters, no conflicts (2 of 4 stars). 2 submissions from 2 submitters: Uncertain significance (2). Last evaluated 2021-11-08.

Conditions:
Hereditary hemorrhagic telangiectasia (HHT). Also called: ORW DISEASE; Osler Weber Rendu syndrome; OSLER-RENDU-WEBER DISEASE; Osler hemorrhagic telangiectasia syndrome. Identifiers: Orphanet 774, MedGen C0039445, MONDO:0019180. Disease mechanism: loss of function.
Telangiectasia, hereditary hemorrhagic, type 1 (HHT1). Also called: Osler Weber Rendu syndrome type 1; ENG-Related Hereditary Hemorrhagic Telangiectasia. Identifiers: Orphanet 774, MedGen C4551861, MONDO:0008535, OMIM 187300. Disease mechanism: loss of function.

gnomAD v4.1: 1 of 1,614,132 alleles (0.000062%); highest among the groups gnomAD compares: Non-Finnish European, 0.000085%; no homozygotes.

Submissions (2):

Fulgent Genetics
Classification: Uncertain significance for Telangiectasia, hereditary hemorrhagic, type 1. Last evaluated: 2021-11-08. Review status: criteria provided, single submitter. Criteria: ACMG Guidelines, 2015. Collection method: clinical testing. Allele origin: unknown.

Labcorp Genetics (formerly Invitae), Labcorp
Classification: Uncertain significance for Hereditary hemorrhagic telangiectasia. Last evaluated: 2021-08-09. Review status: criteria provided, single submitter. Criteria: Invitae Variant Classification Sherloc (09022015). Collection method: clinical testing. Allele origin: germline.
Comment: In summary, the available evidence is currently insufficient to determine the role of this variant in disease. Therefore, it has been classified as a Variant of Uncertain Significance. Advanced modeling of protein sequence and biophysical properties (such as structural, functional, and spatial information, amino acid conservation, physicochemical variation, residue mobility, and thermodynamic stability) performed at Invitae indicates that this missense variant is not expected to disrupt ENG protein function. This variant has not been reported in the literature in individuals affected with ENG-related conditions. This variant is not present in population databases (ExAC no frequency). This sequence change replaces leucine with phenylalanine at codon 169 of the ENG protein (p.Leu169Phe). The leucine residue is weakly conserved and there is a small physicochemical difference between leucine and phenylalanine.

NM_001114753.3(ENG):c.505C>T (p.Leu169Phe)

Gene: ENG (endoglin; minus strand). Cytogenetic location: 9q34.11.
Variant type: single nucleotide variant.
Coding change: c.505C>T on transcript NM_001114753.3 (MANE Select); coding-DNA position 505, C replaced by T.
Protein change: p.Leu169Phe; replaces leucine 169 with phenylalanine.
Molecular consequence: missense variant. On other transcripts: 5 prime UTR variant (1).
Genome position (GRCh38, 1-based): chr9:127,826,528, G>A on the plus strand (C>T on the coding strand, the complement: ENG is on the minus strand). VCF-style: chr9-127826528-G-A. GRCh37 (hg19) VCF-style: chr9-130588807-G-A.
Other names: c.505C>T, p.Leu169Phe (NM_000118.4, NM_001406715.1); c.-42C>T (NM_001278138.2); short protein forms L169F.
Identifiers: ClinVar variation 1428437 (VCV001428437.8), dbSNP rs2131890408, ClinGen allele CA374984127.